The following is an entry in ClinVar:

ClinVar aggregate classification (germline): Likely benign (0 of 4 stars; one submission).

Conditions:
TRPC5-related disorder. Also called: TRPC5-related condition.

Submission:

PreventionGenetics, part of Exact Sciences
Classification: Likely benign for TRPC5-related condition. Last evaluated: 2024-09-05. Review status: no assertion criteria provided. Collection method: clinical testing. Allele origin: germline.
Comment: This variant is classified as likely benign based on ACMG/AMP sequence variant interpretation guidelines (Richards et al. 2015 PMID: 25741868, with internal and published modifications).

NM_012471.3(TRPC5):c.868T>C (p.Leu290=)

Gene: TRPC5 (transient receptor potential cation channel subfamily C member 5; minus strand). Cytogenetic location: Xq23.
Variant type: single nucleotide variant.
Coding change: c.868T>C on transcript NM_012471.3 (MANE Select); coding-DNA position 868, T replaced by C.
Protein change: p.Leu290=; no amino-acid change (leucine 290 retained).
Molecular consequence: synonymous variant.
Genome position (GRCh38, 1-based): chrX:111,912,323, A>G on the plus strand (T>C on the coding strand, the complement: TRPC5 is on the minus strand). VCF-style: chrX-111912323-A-G. GRCh37 (hg19) VCF-style: chrX-111155551-A-G.
Identifiers: ClinVar variation 3355776 (VCV003355776.1).